The following is an entry in ClinVar:

NM_001006658.3(CR2):c.1798G>A (p.Val600Ile)

Gene: CR2 (complement C3d receptor 2; plus strand). Cytogenetic location: 1q32.2.
Variant type: single nucleotide variant.
Coding change: c.1798G>A on transcript NM_001006658.3 (MANE Select); coding-DNA position 1798, G replaced by A.
Protein change: p.Val600Ile; replaces valine 600 with isoleucine.
Molecular consequence: missense variant.
Genome position (GRCh38, 1-based): chr1:207,472,999, G>A. VCF-style: chr1-207472999-G-A. GRCh37 (hg19) VCF-style: chr1-207646344-G-A.
Other names: c.1798G>A, p.Val600Ile (NM_001877.5); short protein forms V600I.
Identifiers: ClinVar variation 1039150 (VCV001039150.9), dbSNP rs768711174, ClinGen allele CA344534484.

ClinVar aggregate classification (germline): Uncertain significance (1 of 4 stars; one submission).

Conditions:
Immunodeficiency, common variable, 7. Identifiers: Orphanet 1572, Orphanet 696894, MedGen C3542922, MONDO:0013862, OMIM 614699.

gnomAD v4.1: 2 of 1,613,966 alleles (0.00012%); highest among the groups gnomAD compares: Non-Finnish European, 0.00017%; no homozygotes.

Submission:

Labcorp Genetics (formerly Invitae), Labcorp
Classification: Uncertain significance for Immunodeficiency, common variable, 7. Last evaluated: 2021-05-30. Review status: criteria provided, single submitter. Criteria: Invitae Variant Classification Sherloc (09022015). Collection method: clinical testing. Allele origin: germline.
Comment: This sequence change replaces valine with isoleucine at codon 600 of the CR2 protein (p.Val600Ile). The valine residue is highly conserved and there is a small physicochemical difference between valine and isoleucine. This variant is not present in population databases (ExAC no frequency). This variant has not been reported in the literature in individuals with CR2-related conditions. Algorithms developed to predict the effect of missense changes on protein structure and function output the following: SIFT: "Tolerated"; PolyPhen-2: "Benign"; Align-GVGD: "Class C0". The isoleucine amino acid residue is found in multiple mammalian species, suggesting that this missense change does not adversely affect protein function. These predictions have not been confirmed by published functional studies and their clinical significance is uncertain. In summary, the available evidence is currently insufficient to determine the role of this variant in disease. Therefore, it has been classified as a Variant of Uncertain Significance.